The following is an entry in ClinVar:

ClinVar aggregate classification (germline): Uncertain significance. Review status: criteria provided, multiple submitters, no conflicts (2 of 4 stars). 2 submissions from 2 submitters: Uncertain significance (2). Last evaluated 2025-11-22.

Conditions:
Hereditary cancer-predisposing syndrome. Also called: Hereditary Cancer Syndrome; Tumor predisposition; Hereditary neoplastic syndrome; Neoplastic Syndromes, Hereditary. Identifiers: Orphanet 140162, MedGen C0027672, MeSH D009386, MONDO:0015356.
DICER1-related tumor predisposition. Also called: DICER1-related pleuropulmonary blastoma cancer predisposition syndrome; DICER1 syndrome. Identifiers: Orphanet 284343, MedGen C3839822, MONDO:0100216.

Submissions (2):

Ambry Genetics
Classification: Uncertain significance for Hereditary cancer-predisposing syndrome. Last evaluated: 2025-11-22. Review status: criteria provided, single submitter. Criteria: Ambry Variant Classification Scheme 2023. Collection method: clinical testing. Allele origin: germline.
Comment: The p.I671L variant (also known as c.2011A>C), located in coding exon 11 of the DICER1 gene, results from an A to C substitution at nucleotide position 2011. The isoleucine at codon 671 is replaced by leucine, an amino acid with highly similar properties. This amino acid position is conserved. In addition, the in silico prediction for this alteration is inconclusive. Based on the available evidence, the clinical significance of this variant remains unclear.

Labcorp Genetics (formerly Invitae), Labcorp
Classification: Uncertain significance for DICER1-related tumor predisposition. Last evaluated: 2020-06-22. Review status: criteria provided, single submitter. Criteria: Invitae Variant Classification Sherloc (09022015). Collection method: clinical testing. Allele origin: germline.
Comment: This variant is not present in population databases (ExAC no frequency). This sequence change replaces isoleucine with leucine at codon 671 of the DICER1 protein (p.Ile671Leu). The isoleucine residue is highly conserved and there is a small physicochemical difference between isoleucine and leucine. This variant has not been reported in the literature in individuals with DICER1-related conditions. Algorithms developed to predict the effect of missense changes on protein structure and function are either unavailable or do not agree on the potential impact of this missense change (SIFT: "Deleterious"; PolyPhen-2: "Benign"; Align-GVGD: "Class C0"). In summary, the available evidence is currently insufficient to determine the role of this variant in disease. Therefore, it has been classified as a Variant of Uncertain Significance.

NM_177438.3(DICER1):c.2011A>C (p.Ile671Leu)

Gene: DICER1 (dicer 1, ribonuclease III; minus strand). Cytogenetic location: 14q32.13.
Variant type: single nucleotide variant.
Coding change: c.2011A>C on transcript NM_177438.3 (MANE Select); coding-DNA position 2011, A replaced by C.
Protein change: p.Ile671Leu; replaces isoleucine 671 with leucine.
Molecular consequence: missense variant.
Genome position (GRCh38, 1-based): chr14:95,113,121, T>G on the plus strand (A>C on the coding strand, the complement: DICER1 is on the minus strand). VCF-style: chr14-95113121-T-G. GRCh37 (hg19) VCF-style: chr14-95579458-T-G.
Other names: c.2011A>C, p.Ile671Leu (NM_001195573.1, NM_001271282.3, NM_001291628.2 and 1 more transcripts); c.2011A>C (NM_177438.2); short protein forms I671L.
Identifiers: ClinVar variation 1052729 (VCV001052729.11), dbSNP rs768315203, ClinGen allele CA390883211.